The following is an entry in ClinVar:

ClinVar aggregate classification (germline): Uncertain significance (1 of 4 stars; one submission).

Conditions:
Tay-Sachs disease (TSD). Also called: HEXA DEFICIENCY; GM2 gangliosidosis, type 1; Hexosaminidase alpha-subunit deficiency (variant B); Sphingolipidosis, Tay-Sachs; Hexosaminidase A Deficiency; HEXA Disorders. Identifiers: Orphanet 845, MedGen C0039373, MONDO:0010100, OMIM 272800.

Submission:

Labcorp Genetics (formerly Invitae), Labcorp
Classification: Uncertain significance for Tay-Sachs disease. Last evaluated: 2021-09-20. Review status: criteria provided, single submitter. Criteria: Invitae Variant Classification Sherloc (09022015). Collection method: clinical testing. Allele origin: germline.
Comment: This sequence change replaces alanine with glycine at codon 441 of the HEXA protein (p.Ala441Gly). The alanine residue is weakly conserved and there is a small physicochemical difference between alanine and glycine. This variant is not present in population databases (ExAC no frequency). This variant has not been reported in the literature in individuals affected with HEXA-related conditions. Algorithms developed to predict the effect of missense changes on protein structure and function (SIFT, PolyPhen-2, Align-GVGD) all suggest that this variant is likely to be tolerated. In summary, the available evidence is currently insufficient to determine the role of this variant in disease. Therefore, it has been classified as a Variant of Uncertain Significance.

NM_000520.6(HEXA):c.1322C>G (p.Ala441Gly)

Gene: HEXA (hexosaminidase subunit alpha; minus strand). Cytogenetic location: 15q23.
Variant type: single nucleotide variant.
Coding change: c.1322C>G on transcript NM_000520.6 (MANE Select); coding-DNA position 1322, C replaced by G.
Protein change: p.Ala441Gly; replaces alanine 441 with glycine.
Molecular consequence: missense variant.
Genome position (GRCh38, 1-based): chr15:72,346,535, G>C on the plus strand (C>G on the coding strand, the complement: HEXA is on the minus strand). VCF-style: chr15-72346535-G-C. GRCh37 (hg19) VCF-style: chr15-72638876-G-C.
Other names: c.1355C>G, p.Ala452Gly (NM_001318825.2); short protein forms A441G, A452G.
Identifiers: ClinVar variation 1380199 (VCV001380199.3), dbSNP rs2140320579, ClinGen allele CA393060359.